The following is an entry in ClinVar:

ClinVar aggregate classification (germline): Conflicting classifications of pathogenicity. Review status: criteria provided, conflicting classifications (1 of 4 stars). 2 submissions from 2 submitters: Uncertain significance (1); Likely benign (1). Last evaluated 2024-09-04.

Conditions:
Leukoencephalopathy with brain stem and spinal cord involvement-high lactate syndrome (LBSL). Also called: LEUKOENCEPHALOPATHY WITH BRAINSTEM AND SPINAL CORD INVOLVEMENT AND LACTATE ELEVATION, MILD; Leukoencephalopathy with Brainstem and Spinal Cord Involvement and Lactate Elevation; MITOCHONDRIAL ASPARTYL-tRNA SYNTHETASE DEFICIENCY. Identifiers: Orphanet 137898, MedGen C1970180, MONDO:0012622, OMIM 611105.

Allele frequency attached by ClinVar (database versions not stated): gnomAD 0.00002; ExAC 0.00003; 1000 Genomes Project 0.00060.
gnomAD v4.1: 17 of 1,551,400 alleles (0.0011%); highest among the groups gnomAD compares: East Asian, 0.0046%; no homozygotes.

Submissions (2):

Broad Center for Mendelian Genomics, Broad Institute of MIT and Harvard
Classification: Uncertain significance for Leukoencephalopathy with brain stem and spinal cord involvement-high lactate syndrome. Last evaluated: 2024-09-04. Review status: criteria provided, single submitter. Criteria: ACMG Guidelines, 2015. Collection method: curation. Allele origin: germline. Inheritance: Autosomal recessive inheritance.
Comment: The c.228-21T>C variant in DARS2 has been reported in 2 individuals with leukoencephalopathy with brain stem and spinal cord involvement-high lactate syndrome (PMID: 34405109, 35012964), and has been identified in 0.005% (2/43168) of East Asian chromosomes by the Genome Aggregation Database (gnomAD; dbSNP rs367543010). Although this variant has been seen in the general population in a heterozygous state, its frequency is low enough to be consistent with a recessive carrier frequency. Of the 2 affected individuals, 1 was a compound heterozygote that carried a reported likely pathogenic variant in trans, which increases the likelihood that the c.228-21T>C variant is pathogenic (Variation ID: 1064; PMID: 34405109). cDNA analysis performed shows that the c.228-21T>C variant is predicted to lead to partial exon skipping of exon 3, but is predicted to escape nonsense mediated decay (NMD) and result in a truncated protein (PMID: 24566671). This variant is located in the intron 2 splice region. This region of DARS2 is an established mutational hotspot and most individuals with LBSL have variants in this region (PMID: 24566671). In summary, while there is some suspicion for a pathogenic role, the clinical significance of this variant is uncertain. ACMG/AMP Criteria applied: PM3, PM1_supporting, PM2_supporting

Labcorp Genetics (formerly Invitae), Labcorp
Classification: Likely benign. Last evaluated: 2023-02-13. Review status: criteria provided, single submitter. Criteria: Invitae Variant Classification Sherloc (09022015). Collection method: clinical testing. Allele origin: germline.

Literature cited by the submitters: PubMed 34405109 (cited by Broad Center for Mendelian Genomics, Broad Institute of MIT and Harvard); PubMed 35012964 (cited by Broad Center for Mendelian Genomics, Broad Institute of MIT and Harvard); PubMed 24566671 (cited by Broad Center for Mendelian Genomics, Broad Institute of MIT and Harvard).

NM_018122.5(DARS2):c.228-21T>C

Gene: DARS2 (aspartyl-tRNA synthetase 2, mitochondrial; plus strand). Cytogenetic location: 1q25.1.
Variant type: single nucleotide variant.
Coding change: c.228-21T>C on transcript NM_018122.5 (MANE Select); 21 bases into the intron before coding-DNA position 228, T replaced by C.
Molecular consequence: intron variant.
Genome position (GRCh38, 1-based): chr1:173,828,312, T>C. VCF-style: chr1-173828312-T-C. GRCh37 (hg19) VCF-style: chr1-173797450-T-C.
Other names: c.228-21T>C (NM_001365212.1, NM_001365213.2).
Identifiers: ClinVar variation 2966382 (VCV002966382.4), dbSNP rs528772984, ClinGen allele CA1250052.